The following is an entry in ClinVar:

NM_001165963.4(SCN1A):c.4510C>A (p.Gln1504Lys)

Genes: SCN1A (sodium voltage-gated channel alpha subunit 1; minus strand), LOC102724058 (uncharacterized LOC102724058; plus strand). Cytogenetic location: 2q24.3.
Variant type: single nucleotide variant.
Coding change: c.4510C>A on transcript NM_001165963.4 (MANE Select); coding-DNA position 4510, C replaced by A.
Protein change: p.Gln1504Lys; replaces glutamine 1504 with lysine.
Molecular consequence: missense variant. On other transcripts: non-coding transcript variant (1).
Genome position (GRCh38, 1-based): chr2:165,996,084, G>T on the plus strand (C>A on the coding strand, the complement: SCN1A is on the minus strand). VCF-style: chr2-165996084-G-T. GRCh37 (hg19) VCF-style: chr2-166852594-G-T.
Other names: c.4426C>A, p.Gln1476Lys (NM_001165964.3, NM_001353957.2, NM_001353958.2); c.4510C>A, p.Gln1504Lys (NM_001202435.3, NM_001353948.2); c.4477C>A, p.Gln1493Lys (NM_001353949.2, NM_001353950.2, NM_001353951.2 and 2 more transcripts); c.4474C>A, p.Gln1492Lys (NM_001353954.2, NM_001353955.2); c.4423C>A, p.Gln1475Lys (NM_001353960.2); c.2068C>A, p.Gln690Lys (NM_001353961.2); short protein forms Q690K, Q1493K, Q1504K, Q1475K, Q1476K, Q1492K.
Identifiers: ClinVar variation 852105 (VCV000852105.10), dbSNP rs1553521530, ClinGen allele CA349048782.
Genomic context (GRCh38, chr2:165,996,084, plus strand): 5'-GTATAGGCTTTTGCGGTTTTTTCGATCCTAATTTTTTCATTGCATTATAGTATTTCTTCT[G>T]TTCTTCTGTCATAAAGATGTCTTGACCTCCAAAGTATAGAAAAGAAAAATCAAACTGGTT-3'
Protein context (NP_001159435.1, residues 1494-1514): GGQDIFMTEE[Gln1504Lys]KKYYNAMKKL

ClinVar aggregate classification (germline): Pathogenic (1 of 4 stars; one submission).

Conditions:
Early-infantile DEE. Also called: Ohtahara syndrome; Early infantile epileptic encephalopathy with suppression bursts; Early infantile epileptic encephalopathy. Identifiers: Orphanet 1934, MedGen C0393706, MONDO:0800491.

Submission:

Labcorp Genetics (formerly Invitae), Labcorp
Classification: Pathogenic for Early-infantile DEE. Last evaluated: 2022-01-13. Review status: criteria provided, single submitter. Criteria: Invitae Variant Classification Sherloc (09022015). Collection method: clinical testing. Allele origin: germline.
Comment: Advanced modeling of protein sequence and biophysical properties (such as structural, functional, and spatial information, amino acid conservation, physicochemical variation, residue mobility, and thermodynamic stability) performed at Invitae indicates that this missense variant is expected to disrupt SCN1A protein function. ClinVar contains an entry for this variant (Variation ID: 852105). This missense change has been observed in individual(s) with clinical features of SCN1A-related conditions (Invitae). In at least one individual the variant was observed to be de novo. This variant is not present in population databases (gnomAD no frequency). This sequence change replaces glutamine, which is neutral and polar, with lysine, which is basic and polar, at codon 1504 of the SCN1A protein (p.Gln1504Lys). For these reasons, this variant has been classified as Pathogenic.